The following is an entry in ClinVar:

NM_018489.3(ASH1L):c.7361A>G (p.Tyr2454Cys)

Gene: ASH1L (ASH1 like histone lysine methyltransferase; minus strand). Cytogenetic location: 1q22.
Variant type: single nucleotide variant.
Coding change: c.7361A>G on transcript NM_018489.3 (MANE Select); coding-DNA position 7361, A replaced by G.
Protein change: p.Tyr2454Cys; replaces tyrosine 2454 with cysteine.
Molecular consequence: missense variant.
Genome position (GRCh38, 1-based): chr1:155,352,711, T>C on the plus strand (A>G on the coding strand, the complement: ASH1L is on the minus strand). VCF-style: chr1-155352711-T-C. GRCh37 (hg19) VCF-style: chr1-155322502-T-C.
Other names: c.7376A>G, p.Tyr2459Cys (NM_001366177.2); short protein forms Y2454C, Y2459C.
Identifiers: ClinVar variation 1316847 (VCV001316847.3), dbSNP rs2148354522, ClinGen allele CA342744449.
Genomic context (GRCh38, chr1:155,352,711, plus strand): 5'-AAAAAAAGAAAAAGAAAAAGAAAAAAAGAACGAATTTGAAGGTGGTTATAGTCACCTTTA[T>C]AAGAGATGATACCATCACAAATTTCTTTGAAGATCTGGGCTAGGCGGGCTGCCCGAGCCA-3'
Protein context (NP_060959.2, residues 2444-2464): FKEICDGIIS[Tyr2454Cys]KDSSRQALAA

ClinVar aggregate classification (germline): Uncertain significance. Review status: criteria provided, multiple submitters, no conflicts (2 of 4 stars). 2 submissions from 2 submitters: Uncertain significance (2). Last evaluated 2022-12-29.

Conditions:
ASH1L-related disorder. Also called: ASH1L-related condition.

gnomAD v4.1: 6 of 1,601,248 alleles (0.00037%); highest among the groups gnomAD compares: Non-Finnish European, 0.00051%; no homozygotes.

Submissions (2):

PreventionGenetics, part of Exact Sciences
Classification: Uncertain significance for ASH1L-related condition. Last evaluated: 2022-12-29. Review status: criteria provided, single submitter. Criteria: ACMG Guidelines, 2015. Collection method: clinical testing. Allele origin: germline.
Comment: The ASH1L c.7361A>G variant is predicted to result in the amino acid substitution p.Tyr2454Cys. To our knowledge, this variant has not been reported in the literature or in a large population database, indicating this variant is rare. At this time, the clinical significance of this variant is uncertain due to the absence of conclusive functional and genetic evidence.

GeneDx
Classification: Uncertain significance. Last evaluated: 2019-12-18. Review status: criteria provided, single submitter. Criteria: GeneDx Variant Classification Process June 2021. Collection method: clinical testing. Allele origin: germline. Affected: yes.
Comment: Not observed in large population cohorts (Lek et al., 2016); In silico analysis, which includes protein predictors and evolutionary conservation, supports that this variant does not alter protein structure/function; Has not been previously published as pathogenic or benign to our knowledge